The following is an entry in ClinVar:

ClinVar aggregate classification (germline): Uncertain significance. Review status: criteria provided, multiple submitters, no conflicts (2 of 4 stars). 2 submissions from 2 submitters: Uncertain significance (2). Last evaluated 2023-02-16.

Conditions:
Inborn genetic diseases. Identifiers: MedGen C0950123, MeSH D030342.

gnomAD v4.1: 1 of 1,609,656 alleles (0.000062%); highest among the groups gnomAD compares: Admixed American, 0.0017%; no homozygotes.

Submissions (2):

Ambry Genetics
Classification: Uncertain significance for Inborn genetic diseases. Last evaluated: 2023-02-16. Review status: criteria provided, single submitter. Criteria: Ambry Variant Classification Scheme 2023. Collection method: clinical testing. Allele origin: germline.

Labcorp Genetics (formerly Invitae), Labcorp
Classification: Uncertain significance. Last evaluated: 2022-08-06. Review status: criteria provided, single submitter. Criteria: Invitae Variant Classification Sherloc (09022015). Collection method: clinical testing. Allele origin: germline.
Comment: ClinVar contains an entry for this variant (Variation ID: 1376528). This variant has not been reported in the literature in individuals affected with EMC1-related conditions. This variant is not present in population databases (gnomAD no frequency). This sequence change replaces serine, which is neutral and polar, with asparagine, which is neutral and polar, at codon 361 of the EMC1 protein (p.Ser361Asn). In summary, the available evidence is currently insufficient to determine the role of this variant in disease. Therefore, it has been classified as a Variant of Uncertain Significance. Algorithms developed to predict the effect of missense changes on protein structure and function (SIFT, PolyPhen-2, Align-GVGD) all suggest that this variant is likely to be tolerated.

NM_015047.3(EMC1):c.1082G>A (p.Ser361Asn)

Genes: EMC1 (ER membrane protein complex subunit 1; minus strand), EMC1-AS1 (EMC1 antisense RNA 1; plus strand). Cytogenetic location: 1p36.13.
Variant type: single nucleotide variant.
Coding change: c.1082G>A on transcript NM_015047.3 (MANE Select); coding-DNA position 1082, G replaced by A.
Protein change: p.Ser361Asn; replaces serine 361 with asparagine.
Molecular consequence: missense variant.
Genome position (GRCh38, 1-based): chr1:19,238,802, C>T on the plus strand (G>A on the coding strand, the complement: EMC1 is on the minus strand). VCF-style: chr1-19238802-C-T. GRCh37 (hg19) VCF-style: chr1-19565296-C-T.
Other names: c.1079G>A, p.Ser360Asn (NM_001271427.2, NM_001375821.1); c.1082G>A, p.Ser361Asn (NM_001271428.2, NM_001375820.1); c.1016G>A, p.Ser339Asn (NM_001271429.2); c.1082G>A (NM_015047.1); short protein forms S361N, S339N, S360N.
Identifiers: ClinVar variation 1376528 (VCV001376528.7), dbSNP rs1411324984, ClinGen allele CA338766945.